The following is an entry in ClinVar:

ClinVar aggregate classification (germline): Pathogenic/Likely pathogenic. Review status: criteria provided, multiple submitters, no conflicts (2 of 4 stars). 11 submissions from 10 submitters: Pathogenic (6); Likely pathogenic (2). 3 of the submissions do not count toward it. Last evaluated 2026-08-06.

Conditions:
PNKP-related disorder. Also called: PNKP-related condition; PNKP-related disorders.
Ataxia - oculomotor apraxia type 4. Identifiers: Orphanet 459033, MedGen C4225397, MONDO:0014557, OMIM 616267.
Developmental and epileptic encephalopathy, 12 (DEE12). Identifiers: MedGen C3150988, MONDO:0013389, OMIM 613722.
Microcephaly, seizures, and developmental delay. Identifiers: Orphanet 1934, MedGen C3150667, MONDO:0013254, OMIM 613402.
Charcot-Marie-Tooth disease type 2B2 (CMT2B2). Also called: CHARCOT-MARIE-TOOTH DISEASE, AXONAL, TYPE 2B2; Charcot-Marie-Tooth Neuropathy Type 2B2; CHARCOT-MARIE-TOOTH DISEASE, AXONAL, AUTOSOMAL RECESSIVE, TYPE 2B2; CHARCOT-MARIE-TOOTH DISEASE, NEURONAL, TYPE 2B2. Identifiers: Orphanet 101101, MedGen C1854150, MONDO:0011570, OMIM 605589.

Submissions (11):

OLLIN Analises Genomicas, OLLIN
Classification: Likely pathogenic for Ataxia - oculomotor apraxia type 4. Last evaluated: 2026-08-06. Review status: criteria provided, single submitter. Criteria: ACMG Guidelines 2015 PMID 25741868. Collection method: clinical testing. Allele origin: germline. Inheritance: Autosomal recessive inheritance.
Comment: This in-frame deletion, located in exon 14 (of 17), has been reported in ClinVar (accession VCV000190219.40), in gnomAD with an allele frequency of 0.0029%, and in the scientific literature, in compound heterozygosity, in individuals with PNKP related disorders (PMID: 27066567, 25728773, 30039206). This variant removes 1 amino acid, preserving the reading frame and leading to a reduced protein length. Functional studies suggest that this variant may affect protein function (PMID: 27066567). According to the currently available evidence, this variant has been classified as likely pathogenic (PS3_P, PS4_M, PM2_P, PM3_S, PM4).

GeneDx
Classification: Pathogenic. Last evaluated: 2025-11-20. Review status: criteria provided, single submitter. Criteria: GeneDx Variant Classification Process June 2021. Collection method: clinical testing. Allele origin: germline.
Comment: Reported in two unrelated individuals with ataxia, oculomotor apraxia, neuropathy, dystonia, and cerebellar atrophy who were compound heterozygous for the c.1221_1223delCAC variant and another PNKP variant (PMID: 25728773); Published functional studies showed a substantial effect on protein activity, impairing DNA repair capacity on both base excision repair and non-homologous end joining pathways (PMID: 27066567); In silico analysis supports a deleterious effect on protein structure/function; In-frame deletion of one amino acid in a non-repeat region; This variant is associated with the following publications: (PMID: 29891053, 30039206, 27125728, 31589614, 33654647, 25728773, 27066567, 38375759, 35426160)

Dasa
Classification: Pathogenic. Last evaluated: 2025-11-13. Review status: criteria provided, single submitter. Criteria: DASA Assertion Criteria. Collection method: clinical testing. Allele origin: germline.
Comment: NM_007254.4(PNKP):c.1221_1223del (p.Thr408del) is an in-frame deletion predicted to remove threonine at protein position 408 without shifting the reading frame. Segregation data support an association with disease in the reported family/families (PMID: 30039206). This variant has been recurrently observed in individuals with PNKP-related disorders (PMID: 30039206; PMID: 27066567; PMID: 25728773). Functional evidence supports an impact on the gene or gene product (PMID: 30039206; PMID: 27066567; PMID: 25728773). Also, this variant is rare in population databases. Based on the currently available evidence, this variant is classified as pathogenic.

Labcorp Genetics (formerly Invitae), Labcorp
Classification: Pathogenic for Developmental and epileptic encephalopathy, 12. Last evaluated: 2025-01-24. Review status: criteria provided, single submitter. Criteria: Invitae Variant Classification Sherloc (09022015). Collection method: clinical testing. Allele origin: germline.
Comment: This variant, c.1221_1223del, results in the deletion of 1 amino acid(s) of the PNKP protein (p.Thr408del), but otherwise preserves the integrity of the reading frame. This variant is present in population databases (rs786205207, gnomAD 0.05%). This variant has been observed in individual(s) with PNKP-related conditions (PMID: 25728773, 27066567, 30039206; internal data). In at least one individual the data is consistent with being in trans (on the opposite chromosome) from a pathogenic variant. ClinVar contains an entry for this variant (Variation ID: 190219). Algorithms developed to predict the effect of variants on gene product structure and function are not available or were not evaluated for this variant. Experimental studies have shown that this variant affects PNKP function (PMID: 27066567). For these reasons, this variant has been classified as Pathogenic.

Laboratório de Neurologia Aplicada e Experimental, Faculdade de Medicina de Ribeirao Preto – Universidade de Sao Paulo
Classification: Pathogenic for Charcot-Marie-Tooth disease type 2B2. Last evaluated: 2021-07-20. Review status: criteria provided, single submitter. Criteria: ACMG Guidelines, 2015. Collection method: research. Allele origin: germline. Inheritance: Autosomal recessive inheritance. Affected: yes. Observed: 2 variant alleles, 2 homozygotes.
Comment: The variant p.Thr408Del variant in the PNKP gene has been observed in patients with CMT2B2 and ataxia with oculomotor apraxia type 4. ClinVar classifies this variant as Pathogenic (Variation ID: 190219), 2 stars (multiple consistent, 6 submissions), citing 3 articles (30039206, 27066567 and 25728773). This variant is present in heterozygous in 15 alleles in the GnomAD database and absents in the ABraOM database. This variant deletes one amino acid of the PNKP protein, which is highly conserved across different species. This variant is in an important functional domain of the protein (Kinase). In summary, the p.Thr408Del meets our criteria to be classified as pathogenic.

Institute of Medical Genetics and Applied Genomics, University Hospital Tübingen
Classification: Pathogenic. Last evaluated: 2020-10-23. Review status: criteria provided, single submitter. Criteria: ACMG Guidelines, 2015. Collection method: clinical testing. Allele origin: germline. Inheritance: Unknown mechanism. Affected: yes.

Blueprint Genetics
Classification: Pathogenic for PNKP-related disorders. Last evaluated: 2019-08-30. Review status: criteria provided, single submitter. Criteria: ACMG Guidelines, 2015. Collection method: clinical testing. Allele origin: germline. Affected: yes. Observed: 1 variant allele.

Genetic Services Laboratory, University of Chicago
Classification: Likely pathogenic for Microcephaly, seizures, and developmental delay. Last evaluated: 2017-04-07. Review status: criteria provided, single submitter. Criteria: ACMG Guidelines, 2015. Collection method: clinical testing. Allele origin: germline. Affected: yes.

Mendelics
Classification: Pathogenic for ATAXIA-OCULOMOTOR APRAXIA 4. Last evaluated: 2015-04-09. Review status: no assertion criteria provided. Collection method: clinical testing. Allele origin: germline. Affected: yes. Not counted in ClinVar's aggregate classification.

OMIM
Classification: Pathogenic for ATAXIA-OCULOMOTOR APRAXIA 4. Last evaluated: 2015-03-05. Review status: no assertion criteria provided. Collection method: literature only. Allele origin: germline. Not counted in ClinVar's aggregate classification.

OMIM
Classification: Pathogenic for CHARCOT-MARIE-TOOTH DISEASE, AXONAL, TYPE 2B2. Last evaluated: 2015-03-05. Review status: no assertion criteria provided. Collection method: literature only. Allele origin: germline. Not counted in ClinVar's aggregate classification.

Literature cited by the submitters: PubMed 27066567 (cited by 5 submitters); PubMed 25728773 (cited by 6 submitters); PubMed 30039206 (cited by 5 submitters).

NM_007254.4(PNKP):c.1221_1223del (p.Thr408del)

Gene: PNKP (polynucleotide kinase 3'-phosphatase; minus strand). Cytogenetic location: 19q13.33.
Variant type: Deletion.
Coding change: c.1221_1223del on transcript NM_007254.4 (MANE Select); coding-DNA positions 1221 to 1223, 3 bases deleted (CAC; older notation c.1221_1223delCAC).
Protein change: p.Thr408del; deletes threonine 408.
Molecular consequence: inframe deletion.
Genome position (GRCh38, 1-based): chr19:49,861,847-49,861,849, GTG deleted on the plus strand (CAC on the coding strand, the reverse complement: PNKP is on the minus strand); deleting any 3 consecutive bases within chr19:49,861,847-49,861,851 gives the same sequence; the c. name uses the placement nearest the transcript's 3' end. VCF-style (leftmost placement, unchanged base first): chr19-49861846-CGTG-C. GRCh37 (hg19) VCF-style: chr19-50365103-CGTG-C.
Other names: chr19-49861847-GTG-; p.Thr408del; c.1221_1223del (NM_007254.2); short protein forms T408del.
Identifiers: ClinVar variation 190219 (VCV000190219.45), dbSNP rs786205207, ClinGen allele CA199622.